The following is an entry in ClinVar:

ClinVar aggregate classification (germline): Uncertain significance (1 of 4 stars; one submission).

Submission:

Labcorp Genetics (formerly Invitae), Labcorp
Classification: Uncertain significance. Last evaluated: 2023-12-11. Review status: criteria provided, single submitter. Criteria: Invitae Variant Classification Sherloc (09022015). Collection method: clinical testing. Allele origin: germline.
Comment: This variant results in a copy number gain of the genomic region encompassing exon(s) 2-8 of the KMT2A gene. While the exact position of this variant cannot be determined from the data, sub-genic copy number gains are generally in tandem (PMID: 25640679). This variant is predicted to be in-frame, and likely preserves the integrity of the reading frame. This variant has not been reported in the literature in individuals affected with KMT2A-related conditions. In summary, the available evidence is currently insufficient to determine the role of this variant in disease. Therefore, it has been classified as a Variant of Uncertain Significance.

Literature cited by the submitters: PubMed 25640679.

NC_000011.9:g.(?_118339470)_(118353230_?)dup

Gene: KMT2A (lysine methyltransferase 2A; plus strand). Cytogenetic location: 11q23.3.
Variant type: Duplication.
Identifiers: ClinVar variation 2423959 (VCV002423959.3).